The following is an entry in ClinVar:

ClinVar aggregate classification (germline): Uncertain significance (1 of 4 stars; one submission).

Allele frequency attached by ClinVar (database versions not stated): gnomAD exomes 0.00001.
gnomAD v4.1: 7 of 1,613,756 alleles (0.00043%); highest among the groups gnomAD compares: South Asian, 0.0066%; no homozygotes.

Submission:

GeneDx
Classification: Uncertain significance. Last evaluated: 2019-04-17. Review status: criteria provided, single submitter. Criteria: GeneDx Variant Classification Process June 2021. Collection method: clinical testing. Allele origin: germline. Affected: yes.
Comment: Not observed at a significant frequency in large population cohorts (Lek et al., 2016); Has not been previously published as pathogenic or benign to our knowledge

NM_002291.3(LAMB1):c.1136C>T (p.Pro379Leu)

Gene: LAMB1 (laminin subunit beta 1; minus strand). Cytogenetic location: 7q31.1.
Variant type: single nucleotide variant.
Coding change: c.1136C>T on transcript NM_002291.3 (MANE Select); coding-DNA position 1136, C replaced by T.
Protein change: p.Pro379Leu; replaces proline 379 with leucine.
Molecular consequence: missense variant.
Genome position (GRCh38, 1-based): chr7:107,975,742, G>A on the plus strand (C>T on the coding strand, the complement: LAMB1 is on the minus strand). VCF-style: chr7-107975742-G-A. GRCh37 (hg19) VCF-style: chr7-107616187-G-A.
Other names: short protein forms P379L.
Identifiers: ClinVar variation 451676 (VCV000451676.3), dbSNP rs1225946964, ClinGen allele CA368878005.